The following is an entry in ClinVar:

NM_207352.4(CYP4V2):c.1108G>A (p.Ala370Thr)

Gene: CYP4V2 (cytochrome P450 family 4 subfamily V member 2; plus strand). Cytogenetic location: 4q35.2.
Variant type: single nucleotide variant.
Coding change: c.1108G>A on transcript NM_207352.4 (MANE Select); coding-DNA position 1108, G replaced by A.
Protein change: p.Ala370Thr; replaces alanine 370 with threonine.
Molecular consequence: missense variant.
Genome position (GRCh38, 1-based): chr4:186,208,882, G>A. VCF-style: chr4-186208882-G-A. GRCh37 (hg19) VCF-style: chr4-187130036-G-A.
Other names: c.1108G>A (NM_207352.3); short protein forms A370T.
Identifiers: ClinVar variation 2180681 (VCV002180681.3), dbSNP rs182965036, ClinGen allele CA3162765.

ClinVar aggregate classification (germline): Uncertain significance. Review status: criteria provided, multiple submitters, no conflicts (2 of 4 stars). 2 submissions from 2 submitters: Uncertain significance (2). Last evaluated 2025-08-19.

Conditions:
Inborn genetic diseases. Identifiers: MedGen C0950123, MeSH D030342.

Allele frequency attached by ClinVar (database versions not stated): gnomAD 0.00001; TOPMed 0.00001; ExAC 0.00002; gnomAD exomes 0.00002; 1000 Genomes Project 30x 0.00016; 1000 Genomes Project 0.00020.
gnomAD v4.1: 26 of 1,614,180 alleles (0.0016%); highest among the groups gnomAD compares: Admixed American, 0.01%; no homozygotes.

Submissions (2):

Ambry Genetics
Classification: Uncertain significance for Inborn genetic diseases. Last evaluated: 2025-08-19. Review status: criteria provided, single submitter. Criteria: Ambry Variant Classification Scheme 2023. Collection method: clinical testing. Allele origin: germline.

Labcorp Genetics (formerly Invitae), Labcorp
Classification: Uncertain significance. Last evaluated: 2022-04-12. Review status: criteria provided, single submitter. Criteria: Invitae Variant Classification Sherloc (09022015). Collection method: clinical testing. Allele origin: germline.
Comment: This sequence change replaces alanine, which is neutral and non-polar, with threonine, which is neutral and polar, at codon 370 of the CYP4V2 protein (p.Ala370Thr). This variant is present in population databases (rs182965036, gnomAD 0.01%). This variant has not been reported in the literature in individuals affected with CYP4V2-related conditions. Advanced modeling of protein sequence and biophysical properties (such as structural, functional, and spatial information, amino acid conservation, physicochemical variation, residue mobility, and thermodynamic stability) performed at Invitae indicates that this missense variant is not expected to disrupt CYP4V2 protein function. In summary, the available evidence is currently insufficient to determine the role of this variant in disease. Therefore, it has been classified as a Variant of Uncertain Significance.